The following is an entry in ClinVar:

NM_001035.3(RYR2):c.12998A>G (p.Asn4333Ser)

Genes: RYR2 (ryanodine receptor 2; plus strand), LOC126806068 (BRD4-independent group 4 enhancer GRCh37_chr1:237947411-237948610; plus strand). Cytogenetic location: 1q43.
Variant type: single nucleotide variant.
Coding change: c.12998A>G on transcript NM_001035.3 (MANE Select); coding-DNA position 12998, A replaced by G.
Protein change: p.Asn4333Ser; replaces asparagine 4333 with serine.
Molecular consequence: missense variant.
Genome position (GRCh38, 1-based): chr1:237,784,710, A>G. VCF-style: chr1-237784710-A-G. GRCh37 (hg19) VCF-style: chr1-237948010-A-G.
Other names: short protein forms N4333S.
Identifiers: ClinVar variation 3074740 (VCV003074740.1), dbSNP rs2527796845, ClinGen allele CA345414976.

ClinVar aggregate classification (germline): Uncertain significance (1 of 4 stars; one submission).

Conditions:
Catecholaminergic polymorphic ventricular tachycardia (CVPT). Also called: Catecholamine-induced polymorphic ventricular tachycardia. Identifiers: Orphanet 3286, MedGen C5574922, MONDO:0017990.

Submission:

All of Us Research Program, National Institutes of Health
Classification: Uncertain significance for Catecholaminergic polymorphic ventricular tachycardia. Last evaluated: 2023-12-13. Review status: criteria provided, single submitter. Criteria: ACMG Guidelines, 2015. Collection method: clinical testing. Allele origin: germline. Inheritance: Autosomal dominant inheritance. Observed: 1 variant allele, 1 heterozygote.
Comment: This missense variant replaces asparagine with serine at codon 4333 of the RYR2 protein. Computational prediction suggests that this variant may not impact protein structure and function (internally defined REVEL score threshold <= 0.5, PMID: 27666373). To our knowledge, functional studies have not been reported for this variant. This variant has not been reported in individuals affected with RYR2-related disorders in the literature. This variant has not been identified in the general population by the Genome Aggregation Database (gnomAD). The available evidence is insufficient to determine the role of this variant in disease conclusively. Therefore, this variant is classified as a Variant of Uncertain Significance.

This study involves interpretation of variants in research participants for the purpose of population health screening. Participant phenotype was not available at the time of variant classification. Additional details can be found in publication PMID: 35346344, PMCID: PMC8962531